The following is an entry in ClinVar:

ClinVar aggregate classification (germline): Pathogenic (1 of 4 stars; one submission).

Conditions:
Glycogen storage disease IXd (GSD9D). Also called: GSD IXd; Muscle Phosphorylase Kinase Deficiency. Identifiers: Orphanet 715, MedGen C1845151, MONDO:0010362, OMIM 300559.

Submission:

Labcorp Genetics (formerly Invitae), Labcorp
Classification: Pathogenic for Glycogen storage disease IXd. Last evaluated: 2019-05-29. Review status: criteria provided, single submitter. Criteria: Invitae Variant Classification Sherloc (09022015). Collection method: clinical testing. Allele origin: germline.
Comment: For these reasons, this variant has been classified as Pathogenic. Loss-of-function variants in PHKA1 are known to be pathogenic (PMID: 9731190, 15637709). This variant has not been reported in the literature in individuals with PHKA1-related conditions. This variant is an out-of-frame deletion of the genomic region encompassing exons 6-14 of the PHKA1 gene. This is expected to create a premature translational stop signal and result in an absent or disrupted protein product.

Literature cited by the submitters: PubMed 9731190; PubMed 15637709.

NC_000023.11:g.(?_72644342)_(72676170_?)del

Gene: PHKA1 (phosphorylase kinase regulatory subunit alpha 1; minus strand). Cytogenetic location: Xq13.2.
Variant type: Deletion.
Identifiers: ClinVar variation 832096 (VCV000832096.7).